The following is an entry in ClinVar:

ClinVar aggregate classification (germline): Likely benign (0 of 4 stars; one submission).

Conditions:
CADPS-related disorder. Also called: CADPS-related condition.

Allele frequency attached by ClinVar (database versions not stated): gnomAD 0.00013; TOPMed 0.00015; 1000 Genomes Project 0.00040; 1000 Genomes Project 30x 0.00047; ExAC 0.00048.
gnomAD v4.1: 248 of 1,613,426 alleles (0.015%); highest among the groups gnomAD compares: East Asian, 0.42%; 1 homozygote.

Submission:

PreventionGenetics, part of Exact Sciences
Classification: Likely benign for CADPS-related condition. Last evaluated: 2019-06-25. Review status: no assertion criteria provided. Collection method: clinical testing. Allele origin: germline.
Comment: This variant is classified as likely benign based on ACMG/AMP sequence variant interpretation guidelines (Richards et al. 2015 PMID: 25741868, with internal and published modifications).

NM_003716.4(CADPS):c.3822G>A (p.Thr1274=)

Gene: CADPS (calcium dependent secretion activator; minus strand). Cytogenetic location: 3p14.2.
Variant type: single nucleotide variant.
Coding change: c.3822G>A on transcript NM_003716.4 (MANE Select); coding-DNA position 3822, G replaced by A.
Protein change: p.Thr1274=; no amino-acid change (threonine 1274 retained).
Molecular consequence: synonymous variant.
Genome position (GRCh38, 1-based): chr3:62,403,141, C>T on the plus strand (G>A on the coding strand, the complement: CADPS is on the minus strand). VCF-style: chr3-62403141-C-T. GRCh37 (hg19) VCF-style: chr3-62388816-C-T.
Other names: c.3585G>A, p.Thr1195= (NM_183393.3); c.3705G>A, p.Thr1235= (NM_183394.3).
Identifiers: ClinVar variation 3042523 (VCV003042523.2), dbSNP rs200558042, ClinGen allele CA2476168.